The following continues an entry in ClinVar:

NM_024675.4(PALB2):c.2167_2168del (p.Met723fs)

Gene: PALB2. ClinVar aggregate classification (germline): Pathogenic. Pathogenic (29).

Submissions 29 to 33 of 33:

Rady Children's Institute for Genomic Medicine, Rady Children's Hospital San Diego
Classification: Pathogenic for Hereditary cancer-predisposing syndrome. Review status: criteria provided, single submitter. Criteria: ACMG Guidelines, 2015. Collection method: clinical testing. Allele origin: germline. Affected: yes. Study: CSER-NYCKidSeq.
Comment: This frameshifting variant in exon 5 of 13 introduces a premature stop codon and is therefore predicted to result in loss of normal protein function through either protein truncation or nonsense-mediated mRNA decay (NMD). This variant has been previously reported as a heterozygous change in multiple individuals and families diagnosed with breast or ovarian cancer (PMID:24556926, 27624329, 32566746, 26270727, 33193564, 31263054, 26315354, 25099575) and at least one individual with pancreatic cancer (PMID: 29945567). It is present in the heterozygous state in the gnomAD population database at a frequency of 0.006% (16/251488) and thus is presumed to be rare. Based on the available evidence, the c.2167_2168del (p.Met723ValfsTer21) variant is classified as Pathogenic.

Laboratory for Genotyping Development, RIKEN
Classification: Pathogenic for Gastric cancer. Last evaluated: 2021-07-01. Review status: no assertion criteria provided. Collection method: research. Allele origin: germline. Not counted in ClinVar's aggregate classification.

Leiden Open Variation Database
Classification: Pathogenic for Familial cancer of breast. Last evaluated: 2019-05-13. Review status: no assertion criteria provided. Collection method: curation. Allele origin: germline. Affected: yes. Not counted in ClinVar's aggregate classification.
Comment: Curators: Marc Tischkowitz, Arleen D. Auerbach. Submitter to LOVD: Marc Tischkowitz.

Counsyl
Classification: Pathogenic for Familial cancer of breast. Last evaluated: 2016-01-15. Review status: no assertion criteria provided. Collection method: clinical testing. Allele origin: unknown. Not counted in ClinVar's aggregate classification.

SNPedia
Classification: Pathogenic. Review status: no assertion criteria provided. Collection method: not provided. Allele origin: germline. Not counted in ClinVar's aggregate classification.
ClinVar note: Converted during submission from pathogenic to Pathogenic.

Literature cited by the submitters: PubMed 17200668 (cited by Labcorp Genetics (formerly Invitae), Labcorp and Dasa); PubMed 17200671 (cited by Labcorp Genetics (formerly Invitae), Labcorp); PubMed 17200672 (cited by Labcorp Genetics (formerly Invitae), Labcorp); PubMed 24136930 (cited by Labcorp Genetics (formerly Invitae), Labcorp); PubMed 25099575 (cited by 8 submitters); PubMed 24448499 (cited by 8 submitters); PubMed 24556926 (cited by 9 submitters); PubMed 32339256 (cited by 4 submitters); PubMed 31841383 (cited by Dasa); PubMed 27624329 (cited by 4 submitters); PubMed 26845104 (cited by Quest Diagnostics Nichols Institute San Juan Capistrano); PubMed 30322717 (cited by Quest Diagnostics Nichols Institute San Juan Capistrano); PubMed 31447099 (cited by Quest Diagnostics Nichols Institute San Juan Capistrano); PubMed 29945567 (cited by Quest Diagnostics Nichols Institute San Juan Capistrano); PubMed 31206626 (cited by 3 submitters); PubMed 28724667 (cited by Quest Diagnostics Nichols Institute San Juan Capistrano); PubMed 31263054 (cited by Quest Diagnostics Nichols Institute San Juan Capistrano); PubMed 29752822 (cited by Quest Diagnostics Nichols Institute San Juan Capistrano); PubMed 26315354 (cited by 4 submitters); PubMed 33471991 (cited by Quest Diagnostics Nichols Institute San Juan Capistrano); PubMed 38914840 (cited by Quest Diagnostics Nichols Institute San Juan Capistrano); PubMed 35171259 (cited by Quest Diagnostics Nichols Institute San Juan Capistrano); PubMed 30613976 (cited by Quest Diagnostics Nichols Institute San Juan Capistrano); PubMed 31844177 (cited by 4 submitters); PubMed 32566746 (cited by Center for Genomic Medicine, Rigshospitalet, Copenhagen University Hospital and Color Diagnostics, LLC DBA Color Health); PubMed 36988593 (cited by Laboratory for Genotyping Development, RIKEN).